The following is an entry in ClinVar:

NM_015374.3(SUN2):c.911G>A (p.Arg304Gln)

Genes: GTPBP1 (GTP binding protein 1; plus strand), SUN2 (Sad1 and UNC84 domain containing 2; minus strand). Cytogenetic location: 22q13.1.
Variant type: single nucleotide variant.
Coding change: c.911G>A on transcript NM_015374.3 (MANE Select); coding-DNA position 911, G replaced by A.
Protein change: p.Arg304Gln; replaces arginine 304 with glutamine.
Molecular consequence: missense variant. On other transcripts: intron variant (3).
Genome position (GRCh38, 1-based): chr22:38,742,458, C>T on the plus strand (G>A on the coding strand, the complement: SUN2 is on the minus strand). VCF-style: chr22-38742458-C-T. GRCh37 (hg19) VCF-style: chr22-39138463-C-T.
Other names: c.911G>A (NM_015374.2); c.974G>A, p.Arg325Gln (NM_001199579.2, NM_001394428.1); c.911G>A, p.Arg304Gln (NM_001199580.2, NM_001394431.1, NM_001394432.1 and 5 more transcripts); c.1004G>A, p.Arg335Gln (NM_001394427.1); c.956G>A, p.Arg319Gln (NM_001394429.1, NM_001394430.1); c.821G>A, p.Arg274Gln (NM_001394438.1); c.773G>A, p.Arg258Gln (NM_001394439.1, NM_001394440.1, NM_001394441.1); c.419G>A, p.Arg140Gln (NM_001394443.1); and 2 more; short protein forms R140Q, R274Q, R304Q, R319Q, R325Q, R335Q, R258Q.
Identifiers: ClinVar variation 1348352 (VCV001348352.8), dbSNP rs372788944, ClinGen allele CA10235721.

ClinVar aggregate classification (germline): Uncertain significance. Review status: criteria provided, multiple submitters, no conflicts (2 of 4 stars). 2 submissions from 2 submitters: Uncertain significance (2). Last evaluated 2025-11-30.

Conditions:
Emery-Dreifuss muscular dystrophy (EDMD). Also called: Scapuloperoneal syndrome, X-linked (formerly); Humeroperoneal neuromuscular disease, (formerly). Identifiers: Orphanet 261, MedGen C0410189, MONDO:0016830.

Allele frequency attached by ClinVar (database versions not stated): gnomAD 0.00002 and 0.00004; gnomAD exomes 0.00002; ExAC 0.00003; ESP Exome Variant Server 0.00008; TOPMed 0.00008.
gnomAD v4.1: 41 of 1,613,548 alleles (0.0025%); highest among the groups gnomAD compares: African/African-American, 0.0067%; no homozygotes.

Submissions (2):

Labcorp Genetics (formerly Invitae), Labcorp
Classification: Uncertain significance for Emery-Dreifuss muscular dystrophy. Last evaluated: 2025-11-30. Review status: criteria provided, single submitter. Criteria: Invitae Variant Classification Sherloc (09022015). Collection method: clinical testing. Allele origin: germline.
Comment: This sequence change replaces arginine, which is basic and polar, with glutamine, which is neutral and polar, at codon 304 of the SUN2 protein (p.Arg304Gln). This variant is present in population databases (rs372788944, gnomAD 0.01%). This variant has not been reported in the literature in individuals affected with SUN2-related conditions. ClinVar contains an entry for this variant (Variation ID: 1348352). An algorithm developed to predict the effect of missense changes on protein structure and function (PolyPhen-2) suggests that this variant is likely to be disruptive. In summary, the available evidence is currently insufficient to determine the role of this variant in disease. Therefore, it has been classified as a Variant of Uncertain Significance.

Ambry Genetics
Classification: Uncertain significance. Last evaluated: 2025-06-07. Review status: criteria provided, single submitter. Criteria: Ambry Variant Classification Scheme 2023. Collection method: clinical testing. Allele origin: germline.